The following is an entry in ClinVar:

ClinVar aggregate classification (germline): Likely benign (0 of 4 stars; one submission).

Conditions:
NADSYN1-related disorder. Also called: NADSYN1-related condition.

Allele frequency attached by ClinVar (database versions not stated): ESP Exome Variant Server 0.00015; TOPMed 0.00020; gnomAD 0.00053; ExAC 0.00267; 1000 Genomes Project 30x 0.00359; 1000 Genomes Project 0.00399.
gnomAD v4.1: 1,713 of 1,614,226 alleles (0.11%); highest among the groups gnomAD compares: South Asian, 1.7%; 24 homozygotes.

Submission:

PreventionGenetics, part of Exact Sciences
Classification: Likely benign for NADSYN1-related condition. Last evaluated: 2020-06-05. Review status: no assertion criteria provided. Collection method: clinical testing. Allele origin: germline.
Comment: This variant is classified as likely benign based on ACMG/AMP sequence variant interpretation guidelines (Richards et al. 2015 PMID: 25741868, with internal and published modifications).

NM_018161.5(NADSYN1):c.1360G>A (p.Val454Ile)

Gene: NADSYN1 (NAD synthetase 1; plus strand). Cytogenetic location: 11q13.4.
Variant type: single nucleotide variant.
Coding change: c.1360G>A on transcript NM_018161.5 (MANE Select); coding-DNA position 1360, G replaced by A.
Protein change: p.Val454Ile; replaces valine 454 with isoleucine.
Molecular consequence: missense variant.
Genome position (GRCh38, 1-based): chr11:71,484,352, G>A. VCF-style: chr11-71484352-G-A. GRCh37 (hg19) VCF-style: chr11-71195398-G-A.
Other names: short protein forms V454I.
Identifiers: ClinVar variation 3043322 (VCV003043322.2), dbSNP rs148415329, ClinGen allele CA6163466.